The following is an entry in ClinVar:

ClinVar aggregate classification (germline): Uncertain significance (1 of 4 stars; one submission).

Submission:

GeneDx
Classification: Uncertain significance. Last evaluated: 2025-06-03. Review status: criteria provided, single submitter. Criteria: GeneDx Variant Classification Process June 2021. Collection method: clinical testing. Allele origin: germline. Affected: yes.
Comment: Not observed at significant frequency in large population cohorts (gnomAD); In silico analysis supports that this missense variant has a deleterious effect on protein structure/function; Has not been previously published as pathogenic or benign to our knowledge

NM_001039591.3(USP9X):c.3707T>A (p.Ile1236Asn)

Gene: USP9X (ubiquitin specific peptidase 9 X-linked; plus strand). Cytogenetic location: Xp11.4.
Variant type: single nucleotide variant.
Coding change: c.3707T>A on transcript NM_001039591.3 (MANE Select); coding-DNA position 3707, T replaced by A.
Protein change: p.Ile1236Asn; replaces isoleucine 1236 with asparagine.
Molecular consequence: missense variant.
Genome position (GRCh38, 1-based): chrX:41,188,014, T>A. VCF-style: chrX-41188014-T-A. GRCh37 (hg19) VCF-style: chrX-41047267-T-A.
Other names: c.3707T>A, p.Ile1236Asn (NM_001039590.3); c.3722T>A, p.Ile1241Asn (NM_001410748.1, NM_001410749.1, NM_001437534.1); short protein forms I1236N, I1241N.
Identifiers: ClinVar variation 4536531 (VCV004536531.1).